The following is an entry in ClinVar:

NM_001030055.2(ARHGAP5):c.109T>G (p.Leu37Val)

Gene: ARHGAP5 (Rho GTPase activating protein 5; plus strand). Cytogenetic location: 14q12.
Variant type: single nucleotide variant.
Coding change: c.109T>G on transcript NM_001030055.2 (MANE Select); coding-DNA position 109, T replaced by G.
Protein change: p.Leu37Val; replaces leucine 37 with valine.
Molecular consequence: missense variant.
Genome position (GRCh38, 1-based): chr14:32,090,778, T>G. VCF-style: chr14-32090778-T-G. GRCh37 (hg19) VCF-style: chr14-32559984-T-G.
Other names: c.109T>G, p.Leu37Val (NM_001173.3); short protein forms L37V.
Identifiers: ClinVar variation 2628643 (VCV002628643.1), dbSNP rs2550690973, ClinGen allele CA389383701.

ClinVar aggregate classification (germline): Uncertain significance (1 of 4 stars; one submission).

Conditions:
ARHGAP5-related disorder. Also called: ARHGAP5-related condition.

Submission:

PreventionGenetics, part of Exact Sciences
Classification: Uncertain significance for ARHGAP5-related condition. Last evaluated: 2023-07-27. Review status: criteria provided, single submitter. Criteria: ACMG Guidelines, 2015. Collection method: clinical testing. Allele origin: germline.
Comment: The ARHGAP5 c.109T>G variant is predicted to result in the amino acid substitution p.Leu37Val. To our knowledge, this variant has not been reported in the literature or in a large population database, indicating this variant is rare. This variant falls within a highly paralogous region. Allele frequency data should be interpreted with caution. At this time, the clinical significance of this variant is uncertain due to the absence of conclusive functional and genetic evidence.